The following is an entry in ClinVar:

ClinVar aggregate classification (germline): Uncertain significance. Review status: criteria provided, multiple submitters, no conflicts (2 of 4 stars). 2 submissions from 2 submitters: Uncertain significance (2). Last evaluated 2024-03-31.

Conditions:
Inborn genetic diseases. Identifiers: MedGen C0950123, MeSH D030342.
Multiple gastrointestinal atresias. Also called: FAMILIAL INTESTINAL POLYATRESIA SYNDROME; Multiple intestinal atresia. Identifiers: Orphanet 2300, MedGen C0220744, MONDO:0009465.

Allele frequency attached by ClinVar (database versions not stated): gnomAD exomes 0.00002 and 0.00003; ExAC 0.00003; TOPMed 0.00004; gnomAD 0.00005; ESP Exome Variant Server 0.00008.
gnomAD v4.1: 45 of 1,612,278 alleles (0.0028%); highest among the groups gnomAD compares: Non-Finnish European, 0.0036%; no homozygotes.

Submissions (2):

Ambry Genetics
Classification: Uncertain significance for Inborn genetic diseases. Last evaluated: 2024-03-31. Review status: criteria provided, single submitter. Criteria: Ambry Variant Classification Scheme 2023. Collection method: clinical testing. Allele origin: germline.

Labcorp Genetics (formerly Invitae), Labcorp
Classification: Uncertain significance for Multiple gastrointestinal atresias. Last evaluated: 2022-07-25. Review status: criteria provided, single submitter. Criteria: Invitae Variant Classification Sherloc (09022015). Collection method: clinical testing. Allele origin: germline.
Comment: This sequence change replaces lysine, which is basic and polar, with arginine, which is basic and polar, at codon 728 of the TTC7A protein (p.Lys728Arg). This variant is present in population databases (rs143687375, gnomAD 0.004%). This variant has not been reported in the literature in individuals affected with TTC7A-related conditions. ClinVar contains an entry for this variant (Variation ID: 653039). Algorithms developed to predict the effect of missense changes on protein structure and function (SIFT, PolyPhen-2, Align-GVGD) all suggest that this variant is likely to be tolerated. In summary, the available evidence is currently insufficient to determine the role of this variant in disease. Therefore, it has been classified as a Variant of Uncertain Significance.

NM_020458.4(TTC7A):c.2183A>G (p.Lys728Arg)

Gene: TTC7A (tetratricopeptide repeat domain 7A; plus strand). Cytogenetic location: 2p21.
Variant type: single nucleotide variant.
Coding change: c.2183A>G on transcript NM_020458.4 (MANE Select); coding-DNA position 2183, A replaced by G.
Protein change: p.Lys728Arg; replaces lysine 728 with arginine.
Molecular consequence: missense variant.
Genome position (GRCh38, 1-based): chr2:47,060,799, A>G. VCF-style: chr2-47060799-A-G. GRCh37 (hg19) VCF-style: chr2-47287938-A-G.
Other names: c.2183A>G, p.Lys728Arg (LRG_1323t1); c.2255A>G, p.Lys752Arg (NM_001288951.2); c.2081A>G, p.Lys694Arg (NM_001288953.2); c.1121A>G, p.Lys374Arg (NM_001288955.2); c.2183A>G (NM_020458.2); short protein forms K374R, K752R, K694R, K728R.
Identifiers: ClinVar variation 653039 (VCV000653039.5), dbSNP rs143687375, ClinGen allele CA1648057.
Genomic context (GRCh38, chr2:47,060,799, plus strand): 5'-ACACCTCCCACTGCCCTTCTGCTTTTGCAGCTGAGCTGTTCATGGAGCAGCAGCACCTCA[A>G]GGAAGCAGGTTTCTGCATCCAGGAGGCGGCGGGCCTCTTCCCCACTTCTCACTCAGTACT-3'
Protein context (NP_065191.2, residues 718-738): AELFMEQQHL[Lys728Arg]EAGFCIQEAA